The following is an entry in ClinVar:

ClinVar aggregate classification (germline): Likely pathogenic (1 of 4 stars; one submission).

Conditions:
Alport syndrome. Also called: Hemorrhagic familial nephritis; Hemorrhagic hereditary nephritis; Congenital hereditary hematuria. Identifiers: Orphanet 63, MedGen C1567741, MONDO:0018965.

gnomAD v4.1: 1 of 1,612,352 alleles (0.000062%); highest among the groups gnomAD compares: Non-Finnish European, 0.000085%; no homozygotes.

Submission:

Natera, Inc.
Classification: Likely pathogenic for Alport syndrome. Last evaluated: 2025-09-04. Review status: criteria provided, single submitter. Criteria: Natera Variant Classification Schema (03/2026). Collection method: clinical testing. Allele origin: germline.
Comment: The c.383G>A variant in COL4A4 is a missense variant predicted to cause substitution of glycine to glutamic acid at amino acid 128. This variant is rare in the general population with a frequency below the threshold expected for the associated phenotype(s). This variant is located in a functionally critical region of the protein. Computational prediction algorithms indicate this variant is likely to affect gene or protein function. Given the available evidence, this variant is classified as Likely Pathogenic.

NM_000092.5(COL4A4):c.383G>A (p.Gly128Glu)

Gene: COL4A4 (collagen type IV alpha 4 chain; minus strand). Cytogenetic location: 2q36.3.
Variant type: single nucleotide variant.
Coding change: c.383G>A on transcript NM_000092.5 (MANE Select); coding-DNA position 383, G replaced by A.
Protein change: p.Gly128Glu; replaces glycine 128 with glutamic acid.
Molecular consequence: missense variant.
Genome position (GRCh38, 1-based): chr2:227,118,751, C>T on the plus strand (G>A on the coding strand, the complement: COL4A4 is on the minus strand). VCF-style: chr2-227118751-C-T. GRCh37 (hg19) VCF-style: chr2-227983467-C-T.
Other names: short protein forms G128E.
Identifiers: ClinVar variation 4817338 (VCV004817338.1).
Genomic context (GRCh38, chr2:227,118,751, plus strand): 5'-GGGTCACCTCTTGAGCCATTGTGGCCACTCATACCAGGTTTGCCTCTGGGTCCAGGAGGC[C>T]CTGGGTGCCCCTGCAGAAAACAAAATTATAAGTGAAGCATTTTTGCGAAAATATCATTAC-3'
Protein context (NP_000083.3, residues 118-138): PGLDGIPGHP[Gly128Glu]PPGPRGKPGM